The following is an entry in ClinVar:

ClinVar aggregate classification (germline): Uncertain significance (1 of 4 stars; one submission).

Conditions:
SLC13A5-related disorder. Also called: SLC13A5-related condition.

Allele frequency attached by ClinVar (database versions not stated): ExAC 0.00001; gnomAD exomes 0.00001.
gnomAD v4.1: 11 of 1,613,064 alleles (0.00068%); highest among the groups gnomAD compares: Non-Finnish European, 0.00085%; no homozygotes.

Submission:

PreventionGenetics, part of Exact Sciences
Classification: Uncertain significance for SLC13A5-related condition. Last evaluated: 2023-09-13. Review status: criteria provided, single submitter. Criteria: ACMG Guidelines, 2015. Collection method: clinical testing. Allele origin: germline.
Comment: The SLC13A5 c.424A>G variant is predicted to result in the amino acid substitution p.Thr142Ala. To our knowledge, this variant has not been reported in the literature. This variant is reported in 0.00088% of alleles in individuals of European (Non-Finnish) descent in gnomAD. An alternative variant affecting the same amino acid (p.Thr142Met) has been reported to be causative for epileptic encephalopathy (Hardies et al. 2015. PubMed ID: 26384929; Truty et al. 2019. PubMed ID: 31440721; Yang et al. 2020. PubMed ID: 32551328). Although we suspect that this variant may be pathogenic, at this time, the clinical significance of this variant is uncertain due to the absence of conclusive functional and genetic evidence.

NM_177550.5(SLC13A5):c.424A>G (p.Thr142Ala)

Gene: SLC13A5 (solute carrier family 13 member 5; minus strand). Cytogenetic location: 17p13.1.
Variant type: single nucleotide variant.
Coding change: c.424A>G on transcript NM_177550.5 (MANE Select); coding-DNA position 424, A replaced by G.
Protein change: p.Thr142Ala; replaces threonine 142 with alanine.
Molecular consequence: missense variant.
Genome position (GRCh38, 1-based): chr17:6,704,001, T>C on the plus strand (A>G on the coding strand, the complement: SLC13A5 is on the minus strand). VCF-style: chr17-6704001-T-C. GRCh37 (hg19) VCF-style: chr17-6607320-T-C.
Other names: c.424A>G, p.Thr142Ala (NM_001143838.3); c.373A>G, p.Thr125Ala (NM_001284509.2); c.295A>G, p.Thr99Ala (NM_001284510.2); short protein forms T125A, T142A, T99A.
Identifiers: ClinVar variation 2630802 (VCV002630802.1), dbSNP rs755331183, ClinGen allele CA8331720.